The following is an entry in ClinVar:

NM_031418.4(ANO3):c.693-9_695del

Gene: ANO3 (anoctamin 3; plus strand). Cytogenetic location: 11p14.2.
Variant type: Deletion.
Coding change: c.693-9_695del on transcript NM_031418.4 (MANE Select); 9 bases into the intron before coding-DNA position 693 through coding-DNA position 695, 12 bases deleted (TTTTTTCAGGAA).
Molecular consequence: splice acceptor variant.
Genome position (GRCh38, 1-based): chr11:26,525,626-26,525,637, TTTTTTCAGGAA deleted; deleting any 12 consecutive bases within chr11:26,525,625-26,525,637 gives the same sequence; the c. name uses the placement nearest the transcript's 3' end. VCF-style (leftmost placement, unchanged base first): chr11-26525624-TATTTTTTCAGGA-T. GRCh37 (hg19) VCF-style: chr11-26547171-TATTTTTTCAGGA-T.
Other names: c.876-9_878del (NM_001313726.2); c.255-9_257del (NM_001313727.2).
Identifiers: ClinVar variation 4056953 (VCV004056953.1).

ClinVar aggregate classification (germline): Uncertain significance (1 of 4 stars; one submission).

Submission:

GeneDx
Classification: Uncertain significance. Last evaluated: 2025-01-10. Review status: criteria provided, single submitter. Criteria: GeneDx Variant Classification Process June 2021. Collection method: clinical testing. Allele origin: germline. Affected: yes.
Comment: Not observed at significant frequency in large population cohorts (gnomAD); Has not been previously published as pathogenic or benign to our knowledge; Canonical splice site variant in a gene for which loss-of-function is not an established mechanism of disease